The following is an entry in ClinVar:

ClinVar aggregate classification (germline): Uncertain significance (1 of 4 stars; one submission).

Conditions:
Early-infantile DEE. Also called: Early infantile epileptic encephalopathy with suppression bursts; Early infantile epileptic encephalopathy; Ohtahara syndrome. Identifiers: Orphanet 1934, MedGen C0393706, MONDO:0800491.

Submission:

Labcorp Genetics (formerly Invitae), Labcorp
Classification: Uncertain significance for Early-infantile DEE. Last evaluated: 2024-02-23. Review status: criteria provided, single submitter. Criteria: Invitae Variant Classification Sherloc (09022015). Collection method: clinical testing. Allele origin: germline.
Comment: This sequence change replaces tryptophan, which is neutral and slightly polar, with cysteine, which is neutral and slightly polar, at codon 212 of the GNAO1 protein (p.Trp212Cys). This variant is not present in population databases (gnomAD no frequency). This variant has not been reported in the literature in individuals affected with GNAO1-related conditions. ClinVar contains an entry for this variant (Variation ID: 1720902). Advanced modeling of protein sequence and biophysical properties (such as structural, functional, and spatial information, amino acid conservation, physicochemical variation, residue mobility, and thermodynamic stability) performed at Invitae indicates that this missense variant is expected to disrupt GNAO1 protein function with a positive predictive value of 95%. In summary, the available evidence is currently insufficient to determine the role of this variant in disease. Therefore, it has been classified as a Variant of Uncertain Significance.

NM_020988.3(GNAO1):c.636G>T (p.Trp212Cys)

Gene: GNAO1 (G protein subunit alpha o1; plus strand). Cytogenetic location: 16q13.
Variant type: single nucleotide variant.
Coding change: c.636G>T on transcript NM_020988.3 (MANE Select); coding-DNA position 636, G replaced by T.
Protein change: p.Trp212Cys; replaces tryptophan 212 with cysteine.
Molecular consequence: missense variant.
Genome position (GRCh38, 1-based): chr16:56,336,773, G>T. VCF-style: chr16-56336773-G-T. GRCh37 (hg19) VCF-style: chr16-56370685-G-T.
Other names: c.636G>T, p.Trp212Cys (NM_138736.3); short protein forms W212C.
Identifiers: ClinVar variation 1720902 (VCV001720902.5), dbSNP rs2143664956, ClinGen allele CA395952224.
Genomic context (GRCh38, chr16:56,336,773, plus strand): 5'-GCTCCCTGCCTCCTACAGGCTGTTTGACGTCGGAGGCCAGCGATCTGAACGCAAGAAGTG[G>T]ATCCATTGCTTCGAGGACGTCACGGCCATCATTTTCTGTGTCGCGCTCAGCGGCTATGAC-3'
Protein context (NP_066268.1, residues 202-222): VGGQRSERKK[Trp212Cys]IHCFEDVTAI